The following is an entry in ClinVar:

NM_004972.4(JAK2):c.2964C>G (p.Asn988Lys)

Genes: INSL6 (insulin like 6; minus strand), JAK2 (Janus kinase 2; plus strand). Cytogenetic location: 9p24.1.
Variant type: single nucleotide variant.
Coding change: c.2964C>G on transcript NM_004972.4 (MANE Select); coding-DNA position 2964, C replaced by G.
Protein change: p.Asn988Lys; replaces asparagine 988 with lysine.
Molecular consequence: missense variant. On other transcripts: non-coding transcript variant (2).
Genome position (GRCh38, 1-based): chr9:5,090,816, C>G. VCF-style: chr9-5090816-C-G. GRCh37 (hg19) VCF-style: chr9-5090816-C-G.
Other names: c.2964C>G, p.Asn988Lys (NM_001322194.2, NM_001322195.2, NM_001322196.2); c.1749C>G, p.Asn583Lys (NM_001322198.2, NM_001322199.2); c.2517C>G, p.Asn839Lys (NM_001322204.2); short protein forms N583K, N839K, N988K.
Identifiers: ClinVar variation 3621814 (VCV003621814.2).

ClinVar aggregate classification (germline): Uncertain significance (1 of 4 stars; one submission).

gnomAD v4.1: 21 of 1,613,266 alleles (0.0013%); highest among the groups gnomAD compares: African/African-American, 0.015%; no homozygotes.

Submission:

Labcorp Genetics (formerly Invitae), Labcorp
Classification: Uncertain significance. Last evaluated: 2026-01-05. Review status: criteria provided, single submitter. Criteria: Invitae Variant Classification Sherloc (09022015). Collection method: clinical testing. Allele origin: germline.
Comment: This sequence change replaces asparagine, which is neutral and polar, with lysine, which is basic and polar, at codon 988 of the JAK2 protein (p.Asn988Lys). This variant is present in population databases (rs370131729, gnomAD 0.02%). This variant has not been reported in the literature in individuals affected with JAK2-related conditions. ClinVar contains an entry for this variant (Variation ID: 3621814). Invitae Evidence Modeling of protein sequence and biophysical properties (such as structural, functional, and spatial information, amino acid conservation, physicochemical variation, residue mobility, and thermodynamic stability) indicates that this missense variant is not expected to disrupt JAK2 protein function with a negative predictive value of 80%. In summary, the available evidence is currently insufficient to determine the role of this variant in disease. Therefore, it has been classified as a Variant of Uncertain Significance.